The following is an entry in ClinVar:

NM_020410.3(ATP13A1):c.3054C>G (p.Thr1018=)

Gene: ATP13A1 (ATPase 13A1; minus strand). Cytogenetic location: 19p13.11.
Variant type: single nucleotide variant.
Coding change: c.3054C>G on transcript NM_020410.3 (MANE Select); coding-DNA position 3054, C replaced by G.
Protein change: p.Thr1018=; no amino-acid change (threonine 1018 retained).
Molecular consequence: synonymous variant.
Genome position (GRCh38, 1-based): chr19:19,647,180, G>C on the plus strand (C>G on the coding strand, the complement: ATP13A1 is on the minus strand). VCF-style: chr19-19647180-G-C. GRCh37 (hg19) VCF-style: chr19-19757989-G-C.
Identifiers: ClinVar variation 2649611 (VCV002649611.24), dbSNP rs896806362, ClinGen allele CA306361772.

ClinVar aggregate classification (germline): Likely benign (1 of 4 stars; one submission).

Allele frequency attached by ClinVar (database versions not stated): gnomAD exomes 0.00001; TOPMed 0.00002; gnomAD 0.00005.
gnomAD v4.1: 21 of 1,613,766 alleles (0.0013%); highest among the groups gnomAD compares: Non-Finnish European, 0.0015%; no homozygotes.

Submission:

CeGaT Center for Human Genetics Tuebingen
Classification: Likely benign. Last evaluated: 2023-02-01. Review status: criteria provided, single submitter. Criteria: CeGaT Center For Human Genetics Tuebingen Variant Classification Criteria Version 2. Collection method: clinical testing. Allele origin: germline. Affected: yes. Observed: 1 variant allele.
Comment: ATP13A1: BP4, BP7